The following is an entry in ClinVar:

NM_001366722.1(GRIP1):c.589A>G (p.Ile197Val)

Gene: GRIP1 (glutamate receptor interacting protein 1; minus strand). Cytogenetic location: 12q14.3.
Variant type: single nucleotide variant.
Coding change: c.589A>G on transcript NM_001366722.1 (MANE Select); coding-DNA position 589, A replaced by G.
Protein change: p.Ile197Val; replaces isoleucine 197 with valine.
Molecular consequence: missense variant.
Genome position (GRCh38, 1-based): chr12:66,515,754, T>C on the plus strand (A>G on the coding strand, the complement: GRIP1 is on the minus strand). VCF-style: chr12-66515754-T-C. GRCh37 (hg19) VCF-style: chr12-66909534-T-C.
Other names: c.589A>G, p.Ile197Val (NM_021150.4, NM_001178074.2, NM_001379346.1); c.667A>G, p.Ile223Val (NM_001366723.1, NM_001366724.1, NM_001379345.1 and 2 more transcripts); c.592A>G, p.Ile198Val (NM_001379349.1, NM_001379351.1); short protein forms I197V, I198V, I223V.
Identifiers: ClinVar variation 1978186 (VCV001978186.4), dbSNP rs1392122407, ClinGen allele CA385623009.

ClinVar aggregate classification (germline): Uncertain significance (1 of 4 stars; one submission).

Allele frequency attached by ClinVar (database versions not stated): gnomAD exomes below 0.00001; gnomAD 0.00001; TOPMed 0.00001.
gnomAD v4.1: 4 of 1,613,472 alleles (0.00025%); highest among the groups gnomAD compares: East Asian, 0.0022%; no homozygotes.

Submission:

Labcorp Genetics (formerly Invitae), Labcorp
Classification: Uncertain significance. Last evaluated: 2022-09-13. Review status: criteria provided, single submitter. Criteria: Invitae Variant Classification Sherloc (09022015). Collection method: clinical testing. Allele origin: germline.
Comment: This variant is not present in population databases (gnomAD no frequency). This sequence change replaces isoleucine, which is neutral and non-polar, with valine, which is neutral and non-polar, at codon 197 of the GRIP1 protein (p.Ile197Val). This variant has not been reported in the literature in individuals affected with GRIP1-related conditions. Advanced modeling of protein sequence and biophysical properties (such as structural, functional, and spatial information, amino acid conservation, physicochemical variation, residue mobility, and thermodynamic stability) performed at Invitae indicates that this missense variant is not expected to disrupt GRIP1 protein function. In summary, the available evidence is currently insufficient to determine the role of this variant in disease. Therefore, it has been classified as a Variant of Uncertain Significance.